The following is an entry in ClinVar:

NM_000179.3(MSH6):c.2704T>C (p.Phe902Leu)

Gene: MSH6 (mutS homolog 6; plus strand). Cytogenetic location: 2p16.3.
Variant type: single nucleotide variant.
Coding change: c.2704T>C on transcript NM_000179.3 (MANE Select); coding-DNA position 2704, T replaced by C.
Protein change: p.Phe902Leu; replaces phenylalanine 902 with leucine.
Molecular consequence: missense variant.
Genome position (GRCh38, 1-based): chr2:47,800,687, T>C. VCF-style: chr2-47800687-T-C. GRCh37 (hg19) VCF-style: chr2-48027826-T-C.
Other names: c.2314T>C, p.Phe772Leu (NM_001281492.2); c.1798T>C, p.Phe600Leu (NM_001281493.2, NM_001281494.2); short protein forms F600L, F772L, F902L.
Identifiers: ClinVar variation 1008737 (VCV001008737.11), dbSNP rs1669499938, ClinGen allele CA346755323.

ClinVar aggregate classification (germline): Uncertain significance. Review status: criteria provided, multiple submitters, no conflicts (2 of 4 stars). 2 submissions from 2 submitters: Uncertain significance (2). Last evaluated 2022-10-13.

Conditions:
Hereditary nonpolyposis colorectal neoplasms. Identifiers: MedGen C0009405, MeSH D003123.
Hereditary cancer-predisposing syndrome. Also called: Tumor predisposition; Hereditary neoplastic syndrome; Neoplastic Syndromes, Hereditary; Hereditary Cancer Syndrome. Identifiers: Orphanet 140162, MedGen C0027672, MeSH D009386, MONDO:0015356.

Submissions (2):

Labcorp Genetics (formerly Invitae), Labcorp
Classification: Uncertain significance for Hereditary nonpolyposis colorectal neoplasms. Last evaluated: 2022-10-13. Review status: criteria provided, single submitter. Criteria: Invitae Variant Classification Sherloc (09022015). Collection method: clinical testing. Allele origin: germline.
Comment: This sequence change replaces phenylalanine, which is neutral and non-polar, with leucine, which is neutral and non-polar, at codon 902 of the MSH6 protein (p.Phe902Leu). This variant is not present in population databases (gnomAD no frequency). In summary, the available evidence is currently insufficient to determine the role of this variant in disease. Therefore, it has been classified as a Variant of Uncertain Significance. Advanced modeling of protein sequence and biophysical properties (such as structural, functional, and spatial information, amino acid conservation, physicochemical variation, residue mobility, and thermodynamic stability) performed at Invitae indicates that this missense variant is not expected to disrupt MSH6 protein function. ClinVar contains an entry for this variant (Variation ID: 1008737). This variant has not been reported in the literature in individuals affected with MSH6-related conditions.

Ambry Genetics
Classification: Uncertain significance for Hereditary cancer-predisposing syndrome. Last evaluated: 2021-02-18. Review status: criteria provided, single submitter. Criteria: Ambry Variant Classification Scheme 2023. Collection method: clinical testing. Allele origin: germline.
Comment: The p.F902L variant (also known as c.2704T>C), located in coding exon 4 of the MSH6 gene, results from a T to C substitution at nucleotide position 2704. The phenylalanine at codon 902 is replaced by leucine, an amino acid with highly similar properties. This amino acid position is highly conserved in available vertebrate species. In addition, this alteration is predicted to be deleterious by in silico analysis. Since supporting evidence is limited at this time, the clinical significance of this alteration remains unclear.